The following is an entry in ClinVar:

ClinVar aggregate classification (germline): Uncertain significance (1 of 4 stars; one submission).

Conditions:
Renal cell carcinoma. Identifiers: Orphanet 217071, MedGen C0007134, MeSH D002292, MONDO:0005086, HP:0005584.

Allele frequency attached by ClinVar (database versions not stated): gnomAD 0.00001.
gnomAD v4.1: 1 of 1,614,084 alleles (0.000062%); highest among the groups gnomAD compares: Non-Finnish European, 0.000085%; no homozygotes.

Submission:

Labcorp Genetics (formerly Invitae), Labcorp
Classification: Uncertain significance for Renal cell carcinoma. Last evaluated: 2022-08-26. Review status: criteria provided, single submitter. Criteria: Invitae Variant Classification Sherloc (09022015). Collection method: clinical testing. Allele origin: germline.
Comment: This variant has not been reported in the literature in individuals affected with MET-related conditions. This variant is not present in population databases (gnomAD no frequency). This sequence change replaces asparagine, which is neutral and polar, with aspartic acid, which is acidic and polar, at codon 115 of the MET protein (p.Asn115Asp). In summary, the available evidence is currently insufficient to determine the role of this variant in disease. Therefore, it has been classified as a Variant of Uncertain Significance. Algorithms developed to predict the effect of missense changes on protein structure and function are either unavailable or do not agree on the potential impact of this missense change (SIFT: "Deleterious"; PolyPhen-2: "Probably Damaging"; Align-GVGD: "Class C0").

NM_000245.4(MET):c.343A>G (p.Asn115Asp)

Gene: MET (MET proto-oncogene, receptor tyrosine kinase; plus strand). Cytogenetic location: 7q31.2.
Variant type: single nucleotide variant.
Coding change: c.343A>G on transcript NM_000245.4 (MANE Select); coding-DNA position 343, A replaced by G.
Protein change: p.Asn115Asp; replaces asparagine 115 with aspartic acid.
Molecular consequence: missense variant. On other transcripts: intron variant (1).
Genome position (GRCh38, 1-based): chr7:116,699,427, A>G. VCF-style: chr7-116699427-A-G. GRCh37 (hg19) VCF-style: chr7-116339481-A-G.
Other names: c.343A>G, p.Asn115Asp (NM_001127500.3, NM_001324401.3); c.-91+26850A>G (NM_001324402.2); short protein forms N115D.
Identifiers: ClinVar variation 1718033 (VCV001718033.5), dbSNP rs1584876483, ClinGen allele CA368968868.
Genomic context (GRCh38, chr7:116,699,427, plus strand): 5'-TGTTTCCCATGTCAGGACTGCAGCAGCAAAGCCAATTTATCAGGAGGTGTTTGGAAAGAT[A>G]ACATCAACATGGCTCTAGTTGTCGACACCTACTATGATGATCAACTCATTAGCTGTGGCA-3'
Protein context (NP_000236.2, residues 105-125): ANLSGGVWKD[Asn115Asp]INMALVVDTY